The following is an entry in ClinVar:

NM_014141.6(CNTNAP2):c.2922_2923del (p.Cys974_Glu975delinsTer)

Genes: CNTNAP2 (contactin associated protein 2; plus strand), LOC126860216 (BRD4-independent group 4 enhancer GRCh37_chr7:147868766-147869965; plus strand). Cytogenetic location: 7q35.
Variant type: Microsatellite.
Coding change: c.2922_2923del on transcript NM_014141.6 (MANE Select); coding-DNA positions 2922 to 2923, 2 bases deleted (TG; older notation c.2922_2923delTG).
Protein change: p.Cys974_Glu975delinsTer.
Molecular consequence: nonsense.
Genome position (GRCh38, 1-based): chr7:148,172,390-148,172,391, TG deleted; deleting any 2 consecutive bases within chr7:148,172,388-148,172,391 gives the same sequence; the c. name uses the placement nearest the transcript's 3' end. VCF-style (leftmost placement, unchanged base first): chr7-148172387-CTG-C. GRCh37 (hg19) VCF-style: chr7-147869479-CTG-C.
Identifiers: ClinVar variation 1073332 (VCV001073332.7), dbSNP rs1805809633, ClinGen allele CA1751129567.

ClinVar aggregate classification (germline): Pathogenic (1 of 4 stars; one submission).

Conditions:
Cortical dysplasia-focal epilepsy syndrome (PTHSL1). Also called: Pitt-Hopkins-like syndrome 1. Identifiers: Orphanet 163681, Orphanet 221150, MedGen C2750246, MONDO:0012400, OMIM 610042.

Submission:

Labcorp Genetics (formerly Invitae), Labcorp
Classification: Pathogenic for Cortical dysplasia-focal epilepsy syndrome. Last evaluated: 2025-01-08. Review status: criteria provided, single submitter. Criteria: Invitae Variant Classification Sherloc (09022015). Collection method: clinical testing. Allele origin: germline.
Comment: This sequence change creates a premature translational stop signal (p.Cys974*) in the CNTNAP2 gene. It is expected to result in an absent or disrupted protein product. Loss-of-function variants in CNTNAP2 are known to be pathogenic (PMID: 19896112, 21827697, 25045150, 26843181, 27439707). This variant is not present in population databases (gnomAD no frequency). This variant has not been reported in the literature in individuals affected with CNTNAP2-related conditions. For these reasons, this variant has been classified as Pathogenic.

Literature cited by the submitters: PubMed 19896112; PubMed 21827697; PubMed 25045150; PubMed 26843181; PubMed 27439707.